The following is an entry in ClinVar:

NM_001144936.2(ZFTA):c.93G>A (p.Pro31=)

Gene: ZFTA (zinc finger translocation associated; minus strand). Cytogenetic location: 11q13.1.
Variant type: single nucleotide variant.
Coding change: c.93G>A on transcript NM_001144936.2 (MANE Select); coding-DNA position 93, G replaced by A.
Protein change: p.Pro31=; no amino-acid change (proline 31 retained).
Molecular consequence: synonymous variant.
Genome position (GRCh38, 1-based): chr11:63,768,530, C>T on the plus strand (G>A on the coding strand, the complement: ZFTA is on the minus strand). VCF-style: chr11-63768530-C-T. GRCh37 (hg19) VCF-style: chr11-63536002-C-T.
Identifiers: ClinVar variation 2641903 (VCV002641903.24), dbSNP rs772349337, ClinGen allele CA6064850.
Genomic context (GRCh38, chr11:63,768,530, plus strand): 5'-GCCCCAGCTCTTACCGCCTTCGTCTTCCTCTGGCTCCGCGCTGCCGCTCGATCCGGCGGG[C>T]GGCAGCCGTCGGCCCCGTGCCGAGGCCACTGCTGGCCCGGGGCCGCCCCTGCCGCCGCTG-3'
Protein context (NP_001138408.1, residues 21-41): AVASARGRRL[Pro31=]PAGSSGSAEP

ClinVar aggregate classification (germline): Likely benign (1 of 4 stars; one submission).

Allele frequency attached by ClinVar (database versions not stated): gnomAD exomes 0.00022; gnomAD 0.00033; TOPMed 0.00040; ExAC 0.00828.

Submission:

CeGaT Center for Human Genetics Tuebingen
Classification: Likely benign. Last evaluated: 2023-01-01. Review status: criteria provided, single submitter. Criteria: CeGaT Center For Human Genetics Tuebingen Variant Classification Criteria Version 2. Collection method: clinical testing. Allele origin: germline. Affected: yes. Observed: 1 variant allele.
Comment: ZFTA: BP4, BP7